The following is an entry in ClinVar:

NM_001134363.3(RBM20):c.2887A>G (p.Lys963Glu)

Gene: RBM20 (RNA binding motif protein 20; plus strand). Cytogenetic location: 10q25.2.
Variant type: single nucleotide variant.
Coding change: c.2887A>G on transcript NM_001134363.3 (MANE Select); coding-DNA position 2887, A replaced by G.
Protein change: p.Lys963Glu; replaces lysine 963 with glutamic acid.
Molecular consequence: missense variant.
Genome position (GRCh38, 1-based): chr10:110,821,506, A>G. VCF-style: chr10-110821506-A-G. GRCh37 (hg19) VCF-style: chr10-112581264-A-G.
Other names: p.K963E:AAG>GAG; short protein forms K963E.
Identifiers: ClinVar variation 165046 (VCV000165046.41), dbSNP rs371951525, ClinGen allele CA177708.
Genomic context (GRCh38, chr10:110,821,506, plus strand): 5'-CCAGAAACATGTCTGTGTGTGACAACCACCTTAGACTTAGACCTGGCCCAGGATTTCCCC[A>G]AGGAAGGAGTCAAGGCCGTAGGGAATGGGGCTGCAGAAATCAGCCTCAAGTCACCCAGAG-3'
Protein context (NP_001127835.2, residues 953-973): LDLDLAQDFP[Lys963Glu]EGVKAVGNGA

ClinVar aggregate classification (germline): Conflicting classifications of pathogenicity. Review status: criteria provided, conflicting classifications (1 of 4 stars). 9 submissions from 9 submitters: Uncertain significance (3); Likely benign (6). Last evaluated 2025-12-20.

Conditions:
Cardiovascular phenotype. Identifiers: MedGen CN230736.
RBM20-related disorder. Also called: RBM20-related condition.
Cardiomyopathy (CMYO). Also called: Cardiomyopathies. Identifiers: Orphanet 167848, MedGen C0878544, MONDO:0004994, HP:0001638. Inheritance: Various modes of inheritance.
Dilated cardiomyopathy 1DD (CMD1DD). Identifiers: Orphanet 154, MedGen C2750995, MONDO:0013168, OMIM 613172.

Allele frequency attached by ClinVar (database versions not stated): ExAC 0.00023; TOPMed 0.00027; gnomAD 0.00034 and 0.00036; gnomAD exomes 0.00034 and 0.00050; ESP Exome Variant Server 0.00044.
gnomAD v4.1: 751 of 1,551,892 alleles (0.048%); highest among the groups gnomAD compares: Non-Finnish European, 0.059%; no homozygotes.

Submissions (9):

Labcorp Genetics (formerly Invitae), Labcorp
Classification: Likely benign for Dilated cardiomyopathy 1DD. Last evaluated: 2025-12-20. Review status: criteria provided, single submitter. Criteria: Invitae Variant Classification Sherloc (09022015). Collection method: clinical testing. Allele origin: germline.

PreventionGenetics, part of Exact Sciences
Classification: Likely benign for RBM20-related condition. Last evaluated: 2024-12-30. Review status: criteria provided, single submitter. Criteria: ACMG Guidelines, 2015. Collection method: clinical testing. Allele origin: germline.
Comment: This variant is classified as likely benign based on ACMG/AMP sequence variant interpretation guidelines (Richards et al. 2015 PMID: 25741868, with internal and published modifications).

ARUP Laboratories, Molecular Genetics and Genomics, ARUP Laboratories
Classification: Uncertain significance for Dilated cardiomyopathy 1DD. Last evaluated: 2024-12-05. Review status: criteria provided, single submitter. Criteria: ARUP Molecular Germline Variant Investigation Process 2024. Collection method: clinical testing. Allele origin: germline.
Comment: The RBM20 c.2887A>G; p.Lys963Glu variant (rs371951525), to our knowledge, is not reported in the medical literature but is reported in ClinVar (Variation ID: 165046). This variant is found in the non-Finnish European population with an allele frequency of 0.06% (43/76,676 alleles) in the Genome Aggregation Database. Computational analyses are uncertain whether this variant is neutral or deleterious (REVEL: 0.214). Due to limited information, the clinical significance of the p.Lys963Glu variant is uncertain at this time.

Blueprint Genetics
Classification: Likely benign. Last evaluated: 2024-11-27. Review status: criteria provided, single submitter. Criteria: ACMG Guidelines, 2015. Collection method: clinical testing. Allele origin: germline.

Ambry Genetics
Classification: Likely benign for Cardiovascular phenotype. Last evaluated: 2023-07-06. Review status: criteria provided, single submitter. Criteria: Ambry Variant Classification Scheme 2023. Collection method: clinical testing. Allele origin: germline.

GeneDx
Classification: Likely benign. Last evaluated: 2021-04-22. Review status: criteria provided, single submitter. Criteria: GeneDx Variant Classification Process June 2021. Collection method: clinical testing. Allele origin: germline. Affected: yes.
Comment: This variant is associated with the following publications: (PMID: 25351510)

CHEO Genetics Diagnostic Laboratory, Children's Hospital of Eastern Ontario
Classification: Likely benign for Cardiomyopathy. Last evaluated: 2019-09-16. Review status: criteria provided, single submitter. Criteria: ACMG Guidelines, 2015. Collection method: clinical testing. Allele origin: germline.

Illumina Laboratory Services, Illumina
Classification: Uncertain significance for Dilated cardiomyopathy 1DD. Last evaluated: 2018-01-12. Review status: criteria provided, single submitter. Criteria: ICSL Variant Classification Criteria 13 December 2019. Collection method: clinical testing. Allele origin: germline.

Laboratory for Molecular Medicine, Mass General Brigham Personalized Medicine
Classification: Uncertain significance. Last evaluated: 2017-05-16. Review status: criteria provided, single submitter. Criteria: LMM Criteria. Collection method: clinical testing. Allele origin: germline. Observed: 6 variant alleles.
Comment: The p.Lys963Glu variant in RBM20 has been reported in 4 individuals with HCM, 1 with HCM and SCD, 1 with neonatal DCM, 1 with ARVC, and 1 with DCM who also carr ied a likely pathogenic variant in a different gene (Lopes 2015, LMM data). This variant has also been identified in 42/73470 European chromosomes by the Genome Aggregation Database (gnomAD; dbSNP rs371951 525) and has been reported in ClinVar (Variation ID: 165046) as of uncertain sig nificance. Please note that for diseases with clinical variability, reduced pene trance, or recessive inheritance, pathogenic variants may be present at a low fr equency in the general population. Lysine (Lys) at position 963 is not conserved in mammals and evolutionarily distant species, and 4 mammals (rabbit, alpaca, c amel, and tenrec) carry a glutamic acid (Glu) at this position, raising the poss ibility that this change may be tolerated. In summary, the clinical significance of the p.Lys963Glu variant is uncertain.

Literature cited by the submitters: PubMed 25351510 (cited by Ambry Genetics and Laboratory for Molecular Medicine, Mass General Brigham Personalized Medicine); PubMed 30847666 (cited by Ambry Genetics).